The following is an entry in ClinVar:

NM_000038.6(APC):c.7157A>G (p.Lys2386Arg)

Gene: APC (APC regulator of Wnt signaling pathway; plus strand). Cytogenetic location: 5q22.2.
Variant type: single nucleotide variant.
Coding change: c.7157A>G on transcript NM_000038.6 (MANE Select); coding-DNA position 7157, A replaced by G.
Protein change: p.Lys2386Arg; replaces lysine 2386 with arginine.
Molecular consequence: missense variant.
Genome position (GRCh38, 1-based): chr5:112,842,751, A>G. VCF-style: chr5-112842751-A-G. GRCh37 (hg19) VCF-style: chr5-112178448-A-G.
Other names: c.7157A>G, p.Lys2386Arg (NM_001127510.3, NM_001354895.2); c.7103A>G, p.Lys2368Arg (NM_001127511.3); c.7211A>G, p.Lys2404Arg (NM_001354896.2); c.7187A>G, p.Lys2396Arg (NM_001354897.2); c.7082A>G, p.Lys2361Arg (NM_001354898.2); c.7073A>G, p.Lys2358Arg (NM_001354899.2); c.7034A>G, p.Lys2345Arg (NM_001354900.2); c.6980A>G, p.Lys2327Arg (NM_001354901.2); and 5 more; short protein forms K2368R, K2386R, K2327R, K2345R, K2285R, K2295R, K2361R, K2260R.
Identifiers: ClinVar variation 537515 (VCV000537515.12), dbSNP rs1554088082, ClinGen allele CA16036916.

ClinVar aggregate classification (germline): Uncertain significance. Review status: criteria provided, multiple submitters, no conflicts (2 of 4 stars). 3 submissions from 3 submitters: Uncertain significance (3). Last evaluated 2025-07-20.

Conditions:
Hereditary cancer-predisposing syndrome. Also called: Tumor predisposition; Hereditary Cancer Syndrome; Hereditary neoplastic syndrome; Neoplastic Syndromes, Hereditary. Identifiers: Orphanet 140162, MedGen C0027672, MeSH D009386, MONDO:0015356.
Familial adenomatous polyposis 1 (FAP1). Also called: FAMILIAL ADENOMATOUS POLYPOSIS 1, ATTENUATED; POLYPOSIS, ADENOMATOUS INTESTINAL. Identifiers: MedGen C2713442, MONDO:0021056, OMIM 175100. Disease mechanism: loss of function.

Allele frequency attached by ClinVar (database versions not stated): gnomAD exomes below 0.00001.
gnomAD v4.1: 1 of 1,614,048 alleles (0.000062%); highest among the groups gnomAD compares: Non-Finnish European, 0.000085%; no homozygotes.

Submissions (3):

Color Diagnostics, LLC DBA Color Health
Classification: Uncertain significance for Hereditary cancer-predisposing syndrome. Last evaluated: 2025-07-20. Review status: criteria provided, single submitter. Criteria: ACMG Guidelines, 2015. Collection method: clinical testing. Allele origin: germline.
Comment: This missense variant replaces lysine with arginine at codon 2386 of the APC protein. Computational prediction suggests that this variant may not impact protein structure and function. To our knowledge, functional studies have not been reported for this variant. This variant has not been reported in individuals affected with APC-related disorders in the literature. This variant has not been identified in the general population by the Genome Aggregation Database (gnomAD). The available evidence is insufficient to determine the role of this variant in disease conclusively. Therefore, this variant is classified as a Variant of Uncertain Significance.

Labcorp Genetics (formerly Invitae), Labcorp
Classification: Uncertain significance for Familial adenomatous polyposis 1. Last evaluated: 2022-11-21. Review status: criteria provided, single submitter. Criteria: Invitae Variant Classification Sherloc (09022015). Collection method: clinical testing. Allele origin: germline.
Comment: This sequence change replaces lysine, which is basic and polar, with arginine, which is basic and polar, at codon 2386 of the APC protein (p.Lys2386Arg). This variant is not present in population databases (gnomAD no frequency). This variant has not been reported in the literature in individuals affected with APC-related conditions. ClinVar contains an entry for this variant (Variation ID: 537515). Advanced modeling of protein sequence and biophysical properties (such as structural, functional, and spatial information, amino acid conservation, physicochemical variation, residue mobility, and thermodynamic stability) performed at Invitae indicates that this missense variant is not expected to disrupt APC protein function. In summary, the available evidence is currently insufficient to determine the role of this variant in disease. Therefore, it has been classified as a Variant of Uncertain Significance.

Ambry Genetics
Classification: Uncertain significance for Hereditary cancer-predisposing syndrome. Last evaluated: 2020-01-13. Review status: criteria provided, single submitter. Criteria: Ambry Variant Classification Scheme 2023. Collection method: clinical testing. Allele origin: germline.
Comment: The p.K2386R variant (also known as c.7157A>G), located in coding exon 15 of the APC gene, results from an A to G substitution at nucleotide position 7157. The lysine at codon 2386 is replaced by arginine, an amino acid with highly similar properties. This amino acid position is well conserved in available vertebrate species. In addition, in silico predictors for this gene do not accurately predict pathogenicity. Since supporting evidence is limited at this time, the clinical significance of this alteration remains unclear.